The following is an entry in ClinVar:

ClinVar aggregate classification (germline): Pathogenic (1 of 4 stars; one submission).

Conditions:
Spastic paraplegia. Identifiers: MedGen C0037772, HP:0001258.

Submission:

Labcorp Genetics (formerly Invitae), Labcorp
Classification: Pathogenic for Spastic paraplegia. Last evaluated: 2022-03-22. Review status: criteria provided, single submitter. Criteria: Invitae Variant Classification Sherloc (09022015). Collection method: clinical testing. Allele origin: germline.
Comment: For these reasons, this variant has been classified as Pathogenic. ClinVar contains an entry for this variant (Variation ID: 1070442). This variant has not been reported in the literature in individuals affected with ZFYVE26-related conditions. This variant is not present in population databases (gnomAD no frequency). This sequence change creates a premature translational stop signal (p.Ser892*) in the ZFYVE26 gene. It is expected to result in an absent or disrupted protein product. Loss-of-function variants in ZFYVE26 are known to be pathogenic (PMID: 18394578, 19805727).

Literature cited by the submitters: PubMed 18394578; PubMed 19805727.

NM_015346.4(ZFYVE26):c.2675C>G (p.Ser892Ter)

Gene: ZFYVE26 (zinc finger FYVE-type containing 26; minus strand). Cytogenetic location: 14q24.1.
Variant type: single nucleotide variant.
Coding change: c.2675C>G on transcript NM_015346.4 (MANE Select); coding-DNA position 2675, C replaced by G.
Protein change: p.Ser892Ter; replaces serine 892 with a stop codon.
Molecular consequence: nonsense.
Genome position (GRCh38, 1-based): chr14:67,790,652, G>C on the plus strand (C>G on the coding strand, the complement: ZFYVE26 is on the minus strand). VCF-style: chr14-67790652-G-C. GRCh37 (hg19) VCF-style: chr14-68257369-G-C.
Other names: short protein forms S892*.
Identifiers: ClinVar variation 1070442 (VCV001070442.7), dbSNP rs2140234028, ClinGen allele CA390173912.
Genomic context (GRCh38, chr14:67,790,652, plus strand): 5'-ATGGCCTGTAGAGTTGAGCGGCCACTGCCAGTTCTCCGAATGGTGCTGCTACCCGCATCT[G>C]AGTTCTGGTTTTCAATCTTGTGCTCTACTTGGGCCAGTTCTTGGATCACTTCCTGGTAGC-3'